The following is an entry in ClinVar:

NM_000551.4(VHL):c.349T>C (p.Trp117Arg)

Genes: VHL (von Hippel-Lindau tumor suppressor; plus strand), LOC107303340 (3p25 von Hippel-Lindau tumor suppressor, E3 ubiquitin protein ligase Alu-mediated recombination region; plus strand). Cytogenetic location: 3p25.3.
Variant type: single nucleotide variant.
Coding change: c.349T>C on transcript NM_000551.4 (MANE Select); coding-DNA position 349, T replaced by C.
Protein change: p.Trp117Arg; replaces tryptophan 117 with arginine.
Molecular consequence: missense variant. On other transcripts: intron variant (2).
Genome position (GRCh38, 1-based): chr3:10,146,522, T>C. VCF-style: chr3-10146522-T-C. GRCh37 (hg19) VCF-style: chr3-10188206-T-C.
Other names: c.*18-3265T>C (NM_001354723.2); c.341-3265T>C (NM_198156.3); short protein forms W117R.
Identifiers: ClinVar variation 2087924 (VCV002087924.4), dbSNP rs1696261074, ClinGen allele CA351753660.

ClinVar aggregate classification (germline): Pathogenic (1 of 4 stars; one submission).

Conditions:
Chuvash polycythemia. Also called: POLYCYTHEMIA, VHL-DEPENDENT. Identifiers: Orphanet 238557, MedGen C1837915, MONDO:0009892, OMIM 263400.
Von Hippel-Lindau syndrome (VHLS). Also called: von Hippel–Lindau syndrome; VHL syndrome; Von Hippel-Lindau. Identifiers: Orphanet 892, MedGen C0019562, MONDO:0008667, OMIM 193300. Disease mechanism: loss of function.

Submission:

Labcorp Genetics (formerly Invitae), Labcorp
Classification: Pathogenic for Von Hippel-Lindau syndrome; Chuvash polycythemia. Last evaluated: 2022-01-20. Review status: criteria provided, single submitter. Criteria: Invitae Variant Classification Sherloc (09022015). Collection method: clinical testing. Allele origin: germline.
Comment: For these reasons, this variant has been classified as Pathogenic. This variant disrupts the p.Trp117 amino acid residue in VHL. Other variant(s) that disrupt this residue have been determined to be pathogenic (PMID: 18685280, 24581539, 28388566, 30477447; Invitae). This suggests that this residue is clinically significant, and that variants that disrupt this residue are likely to be disease-causing. Advanced modeling of protein sequence and biophysical properties (such as structural, functional, and spatial information, amino acid conservation, physicochemical variation, residue mobility, and thermodynamic stability) performed at Invitae indicates that this missense variant is expected to disrupt VHL protein function. This missense change has been observed in individual(s) with von Hippel-Lindau syndrome (PMID: 30477447). It has also been observed to segregate with disease in related individuals. This variant is not present in population databases (gnomAD no frequency). This sequence change replaces tryptophan, which is neutral and slightly polar, with arginine, which is basic and polar, at codon 117 of the VHL protein (p.Trp117Arg).

Literature cited by the submitters: PubMed 18685280; PubMed 24581539; PubMed 28388566; PubMed 30477447.